The following is an entry in ClinVar:

NM_001253697.2(ERBIN):c.515A>G (p.Gln172Arg)

Gene: ERBIN (erbb2 interacting protein; plus strand). Cytogenetic location: 5q12.3.
Variant type: single nucleotide variant.
Coding change: c.515A>G on transcript NM_001253697.2 (MANE Select); coding-DNA position 515, A replaced by G.
Protein change: p.Gln172Arg; replaces glutamine 172 with arginine.
Molecular consequence: missense variant.
Genome position (GRCh38, 1-based): chr5:66,014,707, A>G. VCF-style: chr5-66014707-A-G. GRCh37 (hg19) VCF-style: chr5-65310535-A-G.
Other names: c.515A>G, p.Gln172Arg (NM_001006600.3, NM_001253698.2, NM_001253699.2 and 2 more transcripts); short protein forms Q172R.
Identifiers: ClinVar variation 1007529 (VCV001007529.8), dbSNP rs1231546642, ClinGen allele CA359974254.

ClinVar aggregate classification (germline): Uncertain significance (1 of 4 stars; one submission).

Allele frequency attached by ClinVar (database versions not stated): gnomAD exomes below 0.00001; gnomAD 0.00001; TOPMed 0.00005.
gnomAD v4.1: 4 of 1,453,174 alleles (0.00028%); highest among the groups gnomAD compares: Admixed American, 0.0046%; no homozygotes.

Submission:

Labcorp Genetics (formerly Invitae), Labcorp
Classification: Uncertain significance. Last evaluated: 2022-02-08. Review status: criteria provided, single submitter. Criteria: Invitae Variant Classification Sherloc (09022015). Collection method: clinical testing. Allele origin: germline.
Comment: This variant is not present in population databases (gnomAD no frequency). This sequence change replaces glutamine, which is neutral and polar, with arginine, which is basic and polar, at codon 172 of the ERBIN protein (p.Gln172Arg). This variant has not been reported in the literature in individuals affected with ERBIN-related conditions. In summary, the available evidence is currently insufficient to determine the role of this variant in disease. Therefore, it has been classified as a Variant of Uncertain Significance. Algorithms developed to predict the effect of missense changes on protein structure and function (SIFT, PolyPhen-2, Align-GVGD) all suggest that this variant is likely to be disruptive. ClinVar contains an entry for this variant (Variation ID: 1007529).